The following is an entry in ClinVar:

ClinVar aggregate classification (germline): Conflicting classifications of pathogenicity. Review status: criteria provided, conflicting classifications (1 of 4 stars). 8 submissions from 8 submitters: Uncertain significance (2); Benign (1); Likely benign (5). Last evaluated 2026-09-01.

Conditions:
Chudley-McCullough syndrome (CMCS). Also called: Deafness, autosomal recessive 82; DEAFNESS, SENSORINEURAL, WITH PARTIAL AGENESIS OF THE CORPUS CALLOSUM AND ARACHNOID CYSTS. Identifiers: Orphanet 314597, MedGen C1858695, MONDO:0011411, OMIM 604213.

Allele frequency attached by ClinVar (database versions not stated): gnomAD exomes 0.00154; gnomAD 0.00170 and 0.00176; 1000 Genomes Project 30x 0.00047; TOPMed 0.00185; 1000 Genomes Project 0.00060; ExAC 0.00175; ESP Exome Variant Server 0.00346.
gnomAD v4.1: 2,083 of 1,613,254 alleles (0.13%); highest among the groups gnomAD compares: Middle Eastern, 0.63%; 4 homozygotes.

Submissions (8):

CeGaT Center for Human Genetics Tuebingen
Classification: Likely benign. Last evaluated: 2026-09-01. Review status: criteria provided, single submitter. Criteria: CeGaT Center For Human Genetics Tuebingen Variant Classification Criteria Version 2. Collection method: clinical testing. Allele origin: germline. Affected: yes. Observed: 7 variant alleles.
Comment: GPSM2: BP4, BP7

Labcorp Genetics (formerly Invitae), Labcorp
Classification: Likely benign. Last evaluated: 2026-01-19. Review status: criteria provided, single submitter. Criteria: Invitae Variant Classification Sherloc (09022015). Collection method: clinical testing. Allele origin: germline.

Blueprint Genetics
Classification: Likely benign. Last evaluated: 2024-10-23. Review status: criteria provided, single submitter. Criteria: ACMG Guidelines, 2015. Collection method: clinical testing. Allele origin: germline.

GeneDx
Classification: Likely benign. Last evaluated: 2021-02-15. Review status: criteria provided, single submitter. Criteria: GeneDx Variant Classification Process June 2021. Collection method: clinical testing. Allele origin: germline. Affected: yes.

Genetic Services Laboratory, University of Chicago
Classification: Likely benign. Last evaluated: 2018-04-24. Review status: criteria provided, single submitter. Criteria: ACMG Guidelines, 2015. Collection method: clinical testing. Allele origin: germline. Affected: no.

Illumina Laboratory Services, Illumina
Classification: Uncertain significance for Chudley-McCullough syndrome. Last evaluated: 2018-01-13. Review status: criteria provided, single submitter. Criteria: ICSL Variant Classification Criteria 13 December 2019. Collection method: clinical testing. Allele origin: germline.

Eurofins Ntd Llc (ga)
Classification: Uncertain significance. Last evaluated: 2017-09-01. Review status: criteria provided, single submitter. Criteria: EGL Classification Definitions 2015. Collection method: clinical testing. Allele origin: germline. Observed: 1 variant allele, 1 heterozygote.

Laboratory for Molecular Medicine, Mass General Brigham Personalized Medicine
Classification: Benign. Last evaluated: 2012-05-07. Review status: criteria provided, single submitter. Criteria: LMM Criteria. Collection method: clinical testing. Allele origin: germline. Observed: 8 variant alleles.
Comment: "Ser681Ser in Exon 15 of GPSM2: This variant is not expected to have clinical si gnificance because it does not alter an amino acid residue, is not located withi n the splice consensus sequence, and has been identified in 0.4% (25/7020) of Eu ropean American chromosomes from a broad population by the NHLBI Exome Sequencin g Project (dbSNP rs140949805)."

NM_013296.5(GPSM2):c.2043G>A (p.Ser681=)

Genes: CLCC1 (chloride channel CLIC like 1; minus strand), GPSM2 (G protein signaling modulator 2; plus strand). Cytogenetic location: 1p13.3.
Variant type: single nucleotide variant.
Coding change: c.2043G>A on transcript NM_013296.5 (MANE Select); coding-DNA position 2043, G replaced by A.
Protein change: p.Ser681=; no amino-acid change (serine 681 retained).
Molecular consequence: synonymous variant. On other transcripts: 3 prime UTR variant (17), non-coding transcript variant (1).
Genome position (GRCh38, 1-based): chr1:108,929,928, G>A. VCF-style: chr1-108929928-G-A. GRCh37 (hg19) VCF-style: chr1-109472550-G-A.
Other names: c.*2619C>T (NM_001048210.3, NM_001278202.2, NM_001278203.1 and 10 more transcripts); c.*2624C>T (NM_001377459.1, NM_001377460.1, NM_001377462.1 and 1 more transcripts); c.2043G>A, p.Ser681= (NM_001321038.2, NM_001321039.3).
Identifiers: ClinVar variation 45566 (VCV000045566.51), dbSNP rs140949805, ClinGen allele CA136665.